The following is an entry in ClinVar:

ClinVar aggregate classification (germline): Uncertain significance (1 of 4 stars; one submission).

Conditions:
Hereditary cancer-predisposing syndrome. Also called: Tumor predisposition; Hereditary Cancer Syndrome; Hereditary neoplastic syndrome; Neoplastic Syndromes, Hereditary. Identifiers: Orphanet 140162, MedGen C0027672, MeSH D009386, MONDO:0015356.

gnomAD v4.1: 1 of 1,613,048 alleles (0.000062%); highest among the groups gnomAD compares: Non-Finnish European, 0.000085%; no homozygotes.

Submission:

Ambry Genetics
Classification: Uncertain significance for Hereditary cancer-predisposing syndrome. Last evaluated: 2023-07-14. Review status: criteria provided, single submitter. Criteria: Ambry Variant Classification Scheme 2023. Collection method: clinical testing. Allele origin: germline.
Comment: The c.-5G>A variant is located in the 5' untranslated region (5&rsquo; UTR) of the NBN gene. This variant results from a G to A substitution 5 bases upstream from the first translated codon. This nucleotide position is well conserved in available vertebrate species. Since supporting evidence is limited at this time, the clinical significance of this alteration remains unclear.

NM_002485.5(NBN):c.-5G>A

Gene: NBN (nibrin; minus strand). Cytogenetic location: 8q21.3.
Variant type: single nucleotide variant.
Coding change: c.-5G>A on transcript NM_002485.5 (MANE Select); 5 bases upstream of the start codon, G replaced by A.
Molecular consequence: 5 prime UTR variant.
Genome position (GRCh38, 1-based): chr8:89,984,566, C>T on the plus strand (G>A on the coding strand, the complement: NBN is on the minus strand). VCF-style: chr8-89984566-C-T. GRCh37 (hg19) VCF-style: chr8-90996794-C-T.
Other names: c.-301G>A (NM_001024688.3).
Identifiers: ClinVar variation 2624820 (VCV002624820.2), dbSNP rs2488380379, ClinGen allele CA2582341967.